The following is an entry in ClinVar:

ClinVar aggregate classification (germline): Pathogenic. Review status: reviewed by expert panel (3 of 4 stars). 4 submissions from 4 submitters: Pathogenic (1). 3 of the submissions do not count toward it. Last evaluated 2016-10-18.

Conditions:
Pancreatic cancer, susceptibility to, 2. Identifiers: Orphanet 1333, MedGen C3150546, MONDO:0013235, OMIM 613347.
Glioma susceptibility 3 (GLM3). Also called: Glioblastoma 3. Identifiers: Orphanet 182067, Orphanet 360, MedGen C2751641, MONDO:0013093, OMIM 613029.
Familial prostate cancer. Also called: Hereditary Prostate Cancer. Identifiers: MedGen C2931456, MONDO:0700275, OMIM 176807.
Breast-ovarian cancer, familial, susceptibility to, 2 (BROVCA2). Also called: BRCA2 Hereditary Breast and Ovarian Cancer. Identifiers: Orphanet 145, MedGen C2675520, MONDO:0012933, OMIM 612555. Disease mechanism: loss of function.
Fanconi anemia complementation group D1. Also called: BRCA2-Related Fanconi Anemia. Identifiers: Orphanet 319462, MedGen C1838457, MONDO:0011584, OMIM 605724.
Medulloblastoma (MDB). Also called: Medulloblastoma, somatic; MEDULLOBLASTOMA PREDISPOSITION SYNDROME. Identifiers: Orphanet 616, MedGen C0025149, MeSH D008527, MONDO:0007959, OMIM 155255, HP:0002885.
Wilms tumor 1 (WT1). Also called: Wilms tumor, somatic. Identifiers: Orphanet 654, MedGen CN033288, MONDO:0008679, OMIM 194070.
Familial cancer of breast. Also called: BREAST CANCER, FAMILIAL; hereditary breast carcinoma; Hereditary breast cancer. Identifiers: Orphanet 227535, MedGen C0346153, MONDO:0016419, OMIM 114480. Disease mechanism: loss of function.
Hereditary breast ovarian cancer syndrome. Also called: Breast and ovarian cancer; Hereditary breast and ovarian cancer; Hereditary breast and ovarian cancer syndrome (HBOC); Hereditary breast and ovarian cancer syndrome; BRCA1- and BRCA2-Associated Hereditary Breast and Ovarian Cancer; Hereditary breast and/or ovarian cancer syndrome. Identifiers: Orphanet 145, MedGen C0677776, MeSH D061325, MONDO:0003582. Disease mechanism: loss of function.

Submissions (4):

Evidence-based Network for the Interpretation of Germline Mutant Alleles (ENIGMA)
Classification: Pathogenic for Breast-ovarian cancer, familial, susceptibility to, 2. Last evaluated: 2016-10-18. Review status: reviewed by expert panel. Criteria: ENIGMA BRCA1/2 Classification Criteria (2015). Collection method: curation. Allele origin: germline.
Comment: Variant allele predicted to encode a truncated non-functional protein.

Labcorp Genetics (formerly Invitae), Labcorp
Classification: Pathogenic for Hereditary breast ovarian cancer syndrome. Last evaluated: 2024-12-22. Review status: criteria provided, single submitter. Criteria: Invitae Variant Classification Sherloc (09022015). Collection method: clinical testing. Allele origin: germline. Not counted in ClinVar's aggregate classification.
Comment: This sequence change creates a premature translational stop signal (p.Lys2860Argfs*3) in the BRCA2 gene. It is expected to result in an absent or disrupted protein product. Loss-of-function variants in BRCA2 are known to be pathogenic (PMID: 20104584). This variant is not present in population databases (gnomAD no frequency). This premature translational stop signal has been observed in individual(s) with breast cancer (PMID: 20927582, 29681614). This variant is also known as 8804delA. ClinVar contains an entry for this variant (Variation ID: 52627). For these reasons, this variant has been classified as Pathogenic.

Fulgent Genetics
Classification: Pathogenic for Familial cancer of breast; Medulloblastoma; Familial prostate cancer; Wilms tumor 1; Fanconi anemia complementation group D1; Breast-ovarian cancer, familial, susceptibility to, 2; Glioma susceptibility 3; Pancreatic cancer, susceptibility to, 2. Last evaluated: 2024-04-29. Review status: criteria provided, single submitter. Criteria: ACMG Guidelines, 2015. Collection method: clinical testing. Allele origin: germline. Not counted in ClinVar's aggregate classification.

Research Molecular Genetics Laboratory, Women's College Hospital, University of Toronto
Classification: Pathogenic for Hereditary breast ovarian cancer syndrome. Last evaluated: 2014-01-31. Review status: no assertion criteria provided. Collection method: research. Allele origin: germline. Affected: yes. Study: The Canadian Open Genetics Repository (COGR). Not counted in ClinVar's aggregate classification.

Literature cited by the submitters: PubMed 20104584 (cited by Labcorp Genetics (formerly Invitae), Labcorp); PubMed 20927582 (cited by Labcorp Genetics (formerly Invitae), Labcorp); PubMed 29681614 (cited by Labcorp Genetics (formerly Invitae), Labcorp).

NM_000059.4(BRCA2):c.8579del (p.Lys2860fs)

Gene: BRCA2 (BRCA2 DNA repair associated; plus strand). Cytogenetic location: 13q13.1.
Variant type: Deletion.
Coding change: c.8579del on transcript NM_000059.4 (MANE Select); coding-DNA position 8579, one base deleted (A; older notation c.8579delA).
Protein change: p.Lys2860fs; shifts the reading frame from lysine 2860.
Molecular consequence: frameshift variant.
Genome position (GRCh38, 1-based): chr13:32,371,047, A deleted; the last of 4 consecutive A bases (chr13:32,371,044-32,371,047); deleting any one gives the same sequence. VCF-style (leftmost placement, unchanged base first): chr13-32371043-CA-C. GRCh37 (hg19) VCF-style: chr13-32945180-CA-C.
Other names: 8804delA; c.8576delA (NM_000059.3); c.8579delA (NM_000059.3).
Identifiers: ClinVar variation 52627 (VCV000052627.13), dbSNP rs80359719, ClinGen allele CA025721.
Genomic context (GRCh38, chr13:32,371,043, plus strand): 5'-TACATATTTCGCAATGAAAGAGAGGAAGAAAAGGAAGCAGCAAAATATGTGGAGGCCCAA[CA>C]AAAGAGACTAGAAGCCTTATTCACTAAAATTCAGGAGGAATTTGAAGAACATGAAGGTAA-3'